The following is an entry in ClinVar:

NM_007194.4(CHEK2):c.1225G>C (p.Asp409His)

Gene: CHEK2 (checkpoint kinase 2; minus strand). Cytogenetic location: 22q12.1.
Variant type: single nucleotide variant.
Coding change: c.1225G>C on transcript NM_007194.4 (MANE Select); coding-DNA position 1225, G replaced by C.
Protein change: p.Asp409His; replaces aspartic acid 409 with histidine.
Molecular consequence: missense variant.
Genome position (GRCh38, 1-based): chr22:28,695,744, C>G on the plus strand (G>C on the coding strand, the complement: CHEK2 is on the minus strand). VCF-style: chr22-28695744-C-G. GRCh37 (hg19) VCF-style: chr22-29091732-C-G.
Other names: c.1354G>C, p.Asp452His (NM_001005735.3); c.562G>C, p.Asp188His (NM_001257387.3); c.1024G>C, p.Asp342His (NM_001349956.3); c.1138G>C, p.Asp380His (NM_145862.3); short protein forms D409H, D342H, D188H, D380H, D452H.
Identifiers: ClinVar variation 530163 (VCV000530163.20), dbSNP rs766191039, ClinGen allele CA10167709.

ClinVar aggregate classification (germline): Uncertain significance. Review status: criteria provided, multiple submitters, no conflicts (2 of 4 stars). 4 submissions from 4 submitters: Uncertain significance (4). Last evaluated 2025-07-30.

Conditions:
Hereditary cancer-predisposing syndrome. Also called: Hereditary neoplastic syndrome; Neoplastic Syndromes, Hereditary; Hereditary Cancer Syndrome; Tumor predisposition. Identifiers: Orphanet 140162, MedGen C0027672, MeSH D009386, MONDO:0015356.
Familial cancer of breast. Also called: BREAST CANCER, FAMILIAL; Hereditary breast cancer; hereditary breast carcinoma. Identifiers: Orphanet 227535, MedGen C0346153, MONDO:0016419, OMIM 114480. Disease mechanism: loss of function.

Allele frequency attached by ClinVar (database versions not stated): ExAC 0.00001; gnomAD exomes 0.00001.
gnomAD v4.1: 3 of 1,613,840 alleles (0.00019%); highest among the groups gnomAD compares: South Asian, 0.0033%; no homozygotes.

Submissions (4):

Labcorp Genetics (formerly Invitae), Labcorp
Classification: Uncertain significance for Familial cancer of breast. Last evaluated: 2025-07-30. Review status: criteria provided, single submitter. Criteria: Invitae Variant Classification Sherloc (09022015). Collection method: clinical testing. Allele origin: germline.
Comment: This sequence change replaces aspartic acid, which is acidic and polar, with histidine, which is basic and polar, at codon 409 of the CHEK2 protein (p.Asp409His). This variant is present in population databases (rs766191039, gnomAD 0.01%). This variant has not been reported in the literature in individuals affected with CHEK2-related conditions. ClinVar contains an entry for this variant (Variation ID: 530163). An algorithm developed to predict the effect of missense changes on protein structure and function (PolyPhen-2) suggests that this variant is likely to be disruptive. In summary, the available evidence is currently insufficient to determine the role of this variant in disease. Therefore, it has been classified as a Variant of Uncertain Significance.

GeneDx
Classification: Uncertain significance. Last evaluated: 2025-04-30. Review status: criteria provided, single submitter. Criteria: GeneDx Variant Classification Process June 2021. Collection method: clinical testing. Allele origin: germline. Affected: yes.
Comment: Not observed at significant frequency in large population cohorts (gnomAD); In silico analysis supports that this missense variant has a deleterious effect on protein structure/function; Has not been previously published as pathogenic or benign to our knowledge; This variant is associated with the following publications: (PMID: 37449874, 19782031, 22419737)

Ambry Genetics
Classification: Uncertain significance for Hereditary cancer-predisposing syndrome. Last evaluated: 2024-11-20. Review status: criteria provided, single submitter. Criteria: Ambry Variant Classification Scheme 2023. Collection method: clinical testing. Allele origin: germline.
Comment: The p.D409H variant (also known as c.1225G>C), located in coding exon 10 of the CHEK2 gene, results from a G to C substitution at nucleotide position 1225. The aspartic acid at codon 409 is replaced by histidine, an amino acid with similar properties. This amino acid position is highly conserved in available vertebrate species. In addition, this alteration is predicted to be deleterious by in silico analysis. Based on the available evidence, the clinical significance of this variant remains unclear.

Color Diagnostics, LLC DBA Color Health
Classification: Uncertain significance for Hereditary cancer-predisposing syndrome. Last evaluated: 2020-03-24. Review status: criteria provided, single submitter. Criteria: ACMG Guidelines, 2015. Collection method: clinical testing. Allele origin: germline.
Comment: This missense variant replaces aspartic acid with histidine at codon 409 of the CHEK2 protein. Computational prediction suggests that this variant may have deleterious impact on protein structure and function (internally defined REVEL score threshold >= 0.7, PMID: 27666373). Splice site prediction tools suggest that this variant may not impact RNA splicing. To our knowledge, functional studies have not been reported for this variant. This variant has not been reported in individuals affected with hereditary cancer in the literature. This variant has been identified in 3/250532 chromosomes in the general population by the Genome Aggregation Database (gnomAD). The available evidence is insufficient to determine the role of this variant in disease conclusively. Therefore, this variant is classified as a Variant of Uncertain Significance.